The following is an entry in ClinVar:

ClinVar aggregate classification (germline): Uncertain significance (1 of 4 stars; one submission).

Conditions:
Inborn genetic diseases. Identifiers: MedGen C0950123, MeSH D030342.

gnomAD v4.1: 1 of 1,537,892 alleles (0.000065%); highest among the groups gnomAD compares: Non-Finnish European, 0.000089%; no homozygotes.

Submission:

Ambry Genetics
Classification: Uncertain significance for Inborn genetic diseases. Last evaluated: 2025-09-01. Review status: criteria provided, single submitter. Criteria: Ambry Variant Classification Scheme 2023. Collection method: clinical testing. Allele origin: germline.
Comment: The p.I1399V variant (also known as c.4195A>G), located in coding exon 29 of the ANKRD26 gene, results from an A to G substitution at nucleotide position 4195. The isoleucine at codon 1399 is replaced by valine, an amino acid with highly similar properties. This amino acid position is conserved. In addition, this alteration is predicted to be tolerated by in silico analysis. Based on the available evidence, the clinical significance of this variant remains unclear.

NM_014915.3(ANKRD26):c.4195A>G (p.Ile1399Val)

Gene: ANKRD26 (ankyrin repeat domain containing 26; minus strand). Cytogenetic location: 10p12.1.
Variant type: single nucleotide variant.
Coding change: c.4195A>G on transcript NM_014915.3 (MANE Select); coding-DNA position 4195, A replaced by G.
Protein change: p.Ile1399Val; replaces isoleucine 1399 with valine.
Molecular consequence: missense variant.
Genome position (GRCh38, 1-based): chr10:27,022,578, T>C on the plus strand (A>G on the coding strand, the complement: ANKRD26 is on the minus strand). VCF-style: chr10-27022578-T-C. GRCh37 (hg19) VCF-style: chr10-27311507-T-C.
Other names: c.4192A>G, p.Ile1398Val (NM_001256053.2); short protein forms I1398V, I1399V.
Identifiers: ClinVar variation 4104673 (VCV004104673.1).